The following is an entry in ClinVar:

ClinVar aggregate classification (germline): Conflicting classifications of pathogenicity. Review status: criteria provided, conflicting classifications (1 of 4 stars). 4 submissions from 4 submitters: Uncertain significance (1); Benign (1); Likely benign (2). Last evaluated 2026-01-12.

Conditions:
Cardiovascular phenotype. Identifiers: MedGen CN230736.
Duchenne muscular dystrophy (DMD). Also called: MUSCULAR DYSTROPHY, PSEUDOHYPERTROPHIC PROGRESSIVE, DUCHENNE TYPE; Duchenne Muscular Dystrophy (DMD). Identifiers: Orphanet 98896, MedGen C0013264, MONDO:0010679, OMIM 310200.
Dilated cardiomyopathy 3B (CMD3B). Also called: CMD3B: DMD-Related Dilated Cardiomyopathy; CARDIOMYOPATHY, DILATED, X-LINKED; DMD-Associated Dilated Cardiomyopathy. Identifiers: Orphanet 154, MedGen C3668940, MONDO:0010542, OMIM 302045.

Allele frequency attached by ClinVar (database versions not stated): TOPMed 0.00002; gnomAD 0.00005; ExAC 0.00008; gnomAD exomes 0.00010.
gnomAD v4.1: 31 of 1,208,792 alleles (0.0026%); highest among the groups gnomAD compares: East Asian, 0.053%; no homozygotes.

Submissions (4):

Labcorp Genetics (formerly Invitae), Labcorp
Classification: Benign for Duchenne muscular dystrophy. Last evaluated: 2026-01-12. Review status: criteria provided, single submitter. Criteria: Invitae Variant Classification Sherloc (09022015). Collection method: clinical testing. Allele origin: germline.

Ambry Genetics
Classification: Likely benign for Cardiovascular phenotype. Last evaluated: 2022-10-27. Review status: criteria provided, single submitter. Criteria: Ambry Variant Classification Scheme 2023. Collection method: clinical testing. Allele origin: germline.

GeneDx
Classification: Likely benign. Last evaluated: 2018-07-09. Review status: criteria provided, single submitter. Criteria: GeneDx Variant Classification Process June 2021. Collection method: clinical testing. Allele origin: germline. Affected: yes.
Comment: This variant is associated with the following publications: (PMID: 31983221)

Illumina Laboratory Services, Illumina
Classification: Uncertain significance for Dilated cardiomyopathy 3B. Last evaluated: 2017-04-27. Review status: criteria provided, single submitter. Criteria: ICSL Variant Classification Criteria 13 December 2019. Collection method: clinical testing. Allele origin: germline.

Literature cited by the submitters: PubMed 31983221 (cited by Ambry Genetics).

NM_004006.3(DMD):c.5204G>A (p.Arg1735His)

Gene: DMD (dystrophin; minus strand). Cytogenetic location: Xp21.1.
Variant type: single nucleotide variant.
Coding change: c.5204G>A on transcript NM_004006.3 (MANE Select); coding-DNA position 5204, G replaced by A.
Protein change: p.Arg1735His; replaces arginine 1735 with histidine.
Molecular consequence: missense variant.
Genome position (GRCh38, 1-based): chrX:32,362,909, C>T on the plus strand (G>A on the coding strand, the complement: DMD is on the minus strand). VCF-style: chrX-32362909-C-T. GRCh37 (hg19) VCF-style: chrX-32381026-C-T.
Other names: c.5180G>A, p.Arg1727His (NM_000109.4); c.5192G>A, p.Arg1731His (NM_004009.3); c.4835G>A, p.Arg1612His (NM_004010.3); c.1181G>A, p.Arg394His (NM_004011.4); c.1172G>A, p.Arg391His (NM_004012.4); short protein forms R1731H, R394H, R1612H, R1735H, R1727H, R391H.
Identifiers: ClinVar variation 700868 (VCV000700868.18), dbSNP rs757412063, ClinGen allele CA10378742.